The following is an entry in ClinVar:

NC_000015.9:g.(?_44887437)_(44892850_?)del

Gene: SPG11 (SPG11 vesicle trafficking associated, spatacsin; minus strand). Cytogenetic location: 15q21.1.
Variant type: Deletion.
Identifiers: ClinVar variation 1459928 (VCV001459928.4).

ClinVar aggregate classification (germline): Pathogenic (1 of 4 stars; one submission).

Conditions:
Hereditary spastic paraplegia 11. Also called: Spastic Paraplegia 11; Nakamura Osame syndrome; Autosomal recessive hereditary spastic paraplegia, mental impairment, and thin corpus callosum; SPASTIC PARAPLEGIA, AUTOSOMAL RECESSIVE, COMPLICATED, WITH THIN CORPUS CALLOSUM; SPASTIC PARAPLEGIA, AUTOSOMAL RECESSIVE, WITH MENTAL IMPAIRMENT AND THIN CORPUS CALLOSUM; Spastic paraplegia, mental retardation and thin corpus callosum. Identifiers: Orphanet 2822, MedGen C1858479, MONDO:0011445, OMIM 604360.

Submission:

Labcorp Genetics (formerly Invitae), Labcorp
Classification: Pathogenic for Hereditary spastic paraplegia 11. Last evaluated: 2022-07-25. Review status: criteria provided, single submitter. Criteria: Invitae Variant Classification Sherloc (09022015). Collection method: clinical testing. Allele origin: germline.
Comment: This variant is a gross deletion of the genomic region encompassing exon(s) 21-26 of the SPG11 gene. This deletion is out-of-frame, and is expected to create a premature termination codon and result in an absent or disrupted protein product. Loss-of-function variants in SPG11 are known to be pathogenic (PMID: 19105190, 20110243, 22154821, 26556829). This variant has not been reported in the literature in individuals affected with SPG11-related conditions. For these reasons, this variant has been classified as Pathogenic.

Literature cited by the submitters: PubMed 19105190; PubMed 20110243; PubMed 22154821; PubMed 26556829.